The following is an entry in ClinVar:

NM_000117.3(EMD):c.413A>G (p.Asp138Gly)

Gene: EMD (emerin; plus strand). Cytogenetic location: Xq28.
Variant type: single nucleotide variant.
Coding change: c.413A>G on transcript NM_000117.3 (MANE Select); coding-DNA position 413, A replaced by G.
Protein change: p.Asp138Gly; replaces aspartic acid 138 with glycine.
Molecular consequence: missense variant.
Genome position (GRCh38, 1-based): chrX:154,380,766, A>G. VCF-style: chrX-154380766-A-G. GRCh37 (hg19) VCF-style: chrX-153609126-A-G.
Other names: short protein forms D138G.
Identifiers: ClinVar variation 836556 (VCV000836556.8), dbSNP rs1212579575, ClinGen allele CA415258197.

ClinVar aggregate classification (germline): Uncertain significance (1 of 4 stars; one submission).

Conditions:
X-linked Emery-Dreifuss muscular dystrophy. Also called: Muscular dystrophy, tardive Emery-Dreifuss type, with contractures. Identifiers: Orphanet 261, Orphanet 98863, MedGen C0751337, MONDO:0010680.

Allele frequency attached by ClinVar (database versions not stated): TOPMed 0.00001; gnomAD exomes 0.00003.
gnomAD v4.1: 28 of 1,211,683 alleles (0.0023%); highest among the groups gnomAD compares: Non-Finnish European, 0.0031%; no homozygotes.

Submission:

Labcorp Genetics (formerly Invitae), Labcorp
Classification: Uncertain significance for X-linked Emery-Dreifuss muscular dystrophy. Last evaluated: 2025-05-08. Review status: criteria provided, single submitter. Criteria: Invitae Variant Classification Sherloc (09022015). Collection method: clinical testing. Allele origin: germline.
Comment: This sequence change replaces aspartic acid, which is acidic and polar, with glycine, which is neutral and non-polar, at codon 138 of the EMD protein (p.Asp138Gly). This variant is not present in population databases (gnomAD no frequency). This variant has not been reported in the literature in individuals affected with EMD-related conditions. ClinVar contains an entry for this variant (Variation ID: 836556). Invitae Evidence Modeling of protein sequence and biophysical properties (such as structural, functional, and spatial information, amino acid conservation, physicochemical variation, residue mobility, and thermodynamic stability) indicates that this missense variant is not expected to disrupt EMD protein function with a negative predictive value of 80%. In summary, the available evidence is currently insufficient to determine the role of this variant in disease. Therefore, it has been classified as a Variant of Uncertain Significance.